The following is an entry in ClinVar:

ClinVar aggregate classification (germline): Uncertain significance. Review status: criteria provided, multiple submitters, no conflicts (2 of 4 stars). 2 submissions from 2 submitters: Uncertain significance (2). Last evaluated 2023-02-13.

Conditions:
Developmental and epileptic encephalopathy, 42 (DEE42A). Also called: Epileptic encephalopathy, early infantile, 42; DEVELOPMENTAL AND EPILEPTIC ENCEPHALOPATHY 42A; EPILEPTIC ENCEPHALOPATHY, EARLY INFANTILE, 42A. Identifiers: MedGen C4310716, MONDO:0014917, OMIM 617106.
Episodic ataxia type 2 (EA2). Also called: ACETAZOLAMIDE-RESPONSIVE HEREDITARY PAROXYSMAL CEREBELLAR ATAXIA; ATAXIA, EPISODIC, WITH NYSTAGMUS; ATAXIA, FAMILIAL PAROXYSMAL; CEREBELLAR ATAXIA, PAROXYSMAL, ACETAZOLAMIDE-RESPONSIVE; CEREBELLOPATHY, HEREDITARY PAROXYSMAL; EPISODIC ATAXIA, NYSTAGMUS-ASSOCIATED. Identifiers: Orphanet 97, MedGen C1720416, MONDO:0007163, OMIM 108500.

Allele frequency attached by ClinVar (database versions not stated): gnomAD 0.00001; TOPMed 0.00001; gnomAD exomes below 0.00001.
gnomAD v4.1: 4 of 1,397,778 alleles (0.00029%); highest among the groups gnomAD compares: Non-Finnish European, 0.00028%; no homozygotes.

Submissions (2):

Labcorp Genetics (formerly Invitae), Labcorp
Classification: Uncertain significance for Developmental and epileptic encephalopathy, 42; Episodic ataxia type 2. Last evaluated: 2023-02-13. Review status: criteria provided, single submitter. Criteria: Invitae Variant Classification Sherloc (09022015). Collection method: clinical testing. Allele origin: germline.
Comment: In summary, the available evidence is currently insufficient to determine the role of this variant in disease. Therefore, it has been classified as a Variant of Uncertain Significance. Advanced modeling of protein sequence and biophysical properties (such as structural, functional, and spatial information, amino acid conservation, physicochemical variation, residue mobility, and thermodynamic stability) performed at Invitae indicates that this missense variant is not expected to disrupt CACNA1A protein function. ClinVar contains an entry for this variant (Variation ID: 995298). This variant has not been reported in the literature in individuals affected with CACNA1A-related conditions. This variant is not present in population databases (gnomAD no frequency). This sequence change replaces glutamine, which is neutral and polar, with arginine, which is basic and polar, at codon 2154 of the CACNA1A protein (p.Gln2154Arg).

Athena Diagnostics
Classification: Uncertain significance. Last evaluated: 2020-04-06. Review status: criteria provided, single submitter. Criteria: Athena Diagnostics Criteria. Collection method: clinical testing. Allele origin: unknown.

NM_001127222.2(CACNA1A):c.6458A>G (p.Gln2153Arg)

Gene: CACNA1A (calcium voltage-gated channel subunit alpha1 A; minus strand). Cytogenetic location: 19p13.13.
Variant type: single nucleotide variant.
Coding change: c.6458A>G on transcript NM_001127222.2 (MANE Select); coding-DNA position 6458, A replaced by G.
Protein change: p.Gln2153Arg; replaces glutamine 2153 with arginine.
Molecular consequence: missense variant.
Genome position (GRCh38, 1-based): chr19:13,209,380, T>C on the plus strand (A>G on the coding strand, the complement: CACNA1A is on the minus strand). VCF-style: chr19-13209380-T-C. GRCh37 (hg19) VCF-style: chr19-13320194-T-C.
Other names: c.6476A>G, p.Gln2159Arg (NM_000068.4, NM_023035.3); c.6461A>G, p.Gln2154Arg (NM_001127221.2); c.6467A>G, p.Gln2156Arg (NM_001174080.2); short protein forms Q2153R, Q2154R, Q2156R, Q2159R.
Identifiers: ClinVar variation 995298 (VCV000995298.4), dbSNP rs1242460645, ClinGen allele CA404330840.